The following is an entry in ClinVar:

NM_033380.3(COL4A5):c.1738C>T (p.Gln580Ter)

Gene: COL4A5 (collagen type IV alpha 5 chain; plus strand). Cytogenetic location: Xq22.3.
Variant type: single nucleotide variant.
Coding change: c.1738C>T on transcript NM_033380.3 (MANE Select); coding-DNA position 1738, C replaced by T.
Protein change: p.Gln580Ter; replaces glutamine 580 with a stop codon.
Molecular consequence: nonsense.
Genome position (GRCh38, 1-based): chrX:108,597,527, C>T. VCF-style: chrX-108597527-C-T. GRCh37 (hg19) VCF-style: chrX-107840757-C-T.
Other names: c.1738C>T, p.Gln580Ter (NM_000495.5); short protein forms Q580*.
Identifiers: ClinVar variation 24442 (VCV000024442.10), dbSNP rs281874676, ClinGen allele CA258534.

ClinVar aggregate classification (germline): Pathogenic. Review status: criteria provided, multiple submitters, no conflicts (2 of 4 stars). 2 submissions from 2 submitters: Pathogenic (2). Last evaluated 2021-03-07.

Submissions (2):

Labcorp Genetics (formerly Invitae), Labcorp
Classification: Pathogenic. Last evaluated: 2021-03-07. Review status: criteria provided, single submitter. Criteria: Invitae Variant Classification Sherloc (09022015). Collection method: clinical testing. Allele origin: germline.
Comment: For these reasons, this variant has been classified as Pathogenic. This variant has been observed in individual(s) with X-linked Alport syndrome (PMID: 20378821). ClinVar contains an entry for this variant (Variation ID: 24442). This variant is not present in population databases (ExAC no frequency). This sequence change creates a premature translational stop signal (p.Gln580*) in the COL4A5 gene. It is expected to result in an absent or disrupted protein product. Loss-of-function variants in COL4A5 are known to be pathogenic (PMID: 9195222, 10752524, 14514738, 24854265, 26809805).

Athena Diagnostics
Classification: Pathogenic. Last evaluated: 2017-02-16. Review status: criteria provided, single submitter. Criteria: Athena Diagnostics Criteria. Collection method: clinical testing. Allele origin: germline.

Literature cited by the submitters: PubMed 20378821 (cited by Labcorp Genetics (formerly Invitae), Labcorp and Athena Diagnostics); PubMed 9195222 (cited by Labcorp Genetics (formerly Invitae), Labcorp); PubMed 10752524 (cited by Labcorp Genetics (formerly Invitae), Labcorp); PubMed 14514738 (cited by Labcorp Genetics (formerly Invitae), Labcorp); PubMed 24854265 (cited by Labcorp Genetics (formerly Invitae), Labcorp); PubMed 26809805 (cited by Labcorp Genetics (formerly Invitae), Labcorp).